The following is an entry in ClinVar:

NM_018263.6(ASXL2):c.2138G>A (p.Gly713Asp)

Gene: ASXL2 (ASXL transcriptional regulator 2; minus strand). Cytogenetic location: 2p23.3.
Variant type: single nucleotide variant.
Coding change: c.2138G>A on transcript NM_018263.6 (MANE Select); coding-DNA position 2138, G replaced by A.
Protein change: p.Gly713Asp; replaces glycine 713 with aspartic acid.
Molecular consequence: missense variant.
Genome position (GRCh38, 1-based): chr2:25,744,199, C>T on the plus strand (G>A on the coding strand, the complement: ASXL2 is on the minus strand). VCF-style: chr2-25744199-C-T. GRCh37 (hg19) VCF-style: chr2-25967068-C-T.
Other names: c.1964G>A, p.Gly655Asp (NM_001369346.1); c.1358G>A, p.Gly453Asp (NM_001369347.1); short protein forms G713D, G453D, G655D.
Identifiers: ClinVar variation 1029688 (VCV001029688.1), dbSNP rs2087900394, ClinGen allele CA346081973.
Genomic context (GRCh38, chr2:25,744,199, plus strand): 5'-CCTGCCAGTTCCAGTGTGGGGCCCTTTCCAGTTTCACTGACTCTGTCTGAGCCTGGACTG[C>T]CTCCTCTAGCAGTCTGCCCTTCACCACCCTCTCCTGGACCTTGTCCACCCCCTGGGCCAG-3'
Protein context (NP_060733.4, residues 703-723): EGGEGQTARG[Gly713Asp]SPGSDRVSET

ClinVar aggregate classification (germline): Uncertain significance (1 of 4 stars; one submission).

Conditions:
Shashi-Pena syndrome (SHAPNS). Identifiers: Orphanet 689408, MedGen C4310672, MONDO:0014963, OMIM 617190.

Submission:

Baylor Genetics
Classification: Uncertain significance for Shashi-Pena syndrome. Last evaluated: 2020-07-27. Review status: criteria provided, single submitter. Criteria: ACMG Guidelines, 2015. Collection method: clinical testing. Allele origin: unknown. Affected: yes.
Comment: This variant was determined to be of uncertain significance according to ACMG Guidelines, 2015 [PMID:25741868].